The following is an entry in ClinVar:

ClinVar aggregate classification (germline): Likely benign. Review status: criteria provided, multiple submitters, no conflicts (2 of 4 stars). 2 submissions from 2 submitters: Likely benign (2). Last evaluated 2025-12-24.

Allele frequency attached by ClinVar (database versions not stated): TOPMed 0.00002; gnomAD 0.00003; ExAC 0.00002; gnomAD exomes 0.00002.
gnomAD v4.1: 31 of 1,613,812 alleles (0.0019%); highest among the groups gnomAD compares: Middle Eastern, 0.017%; no homozygotes.

Submissions (2):

Labcorp Genetics (formerly Invitae), Labcorp
Classification: Likely benign. Last evaluated: 2025-12-24. Review status: criteria provided, single submitter. Criteria: Invitae Variant Classification Sherloc (09022015). Collection method: clinical testing. Allele origin: germline.

CeGaT Center for Human Genetics Tuebingen
Classification: Likely benign. Last evaluated: 2023-07-01. Review status: criteria provided, single submitter. Criteria: CeGaT Center For Human Genetics Tuebingen Variant Classification Criteria Version 2. Collection method: clinical testing. Allele origin: germline. Affected: yes. Observed: 1 variant allele.
Comment: SLC1A4: BP4, BP7

NM_003038.5(SLC1A4):c.771G>A (p.Ala257=)

Gene: SLC1A4 (solute carrier family 1 member 4; plus strand). Cytogenetic location: 2p14.
Variant type: single nucleotide variant.
Coding change: c.771G>A on transcript NM_003038.5 (MANE Select); coding-DNA position 771, G replaced by A.
Protein change: p.Ala257=; no amino-acid change (alanine 257 retained).
Molecular consequence: synonymous variant.
Genome position (GRCh38, 1-based): chr2:65,010,734, G>A. VCF-style: chr2-65010734-G-A. GRCh37 (hg19) VCF-style: chr2-65237868-G-A.
Other names: c.111G>A, p.Ala37= (NM_001193493.2, NM_001348406.2, NM_001348407.2).
Identifiers: ClinVar variation 1555065 (VCV001555065.31), dbSNP rs776784547, ClinGen allele CA1685968.
Genomic context (GRCh38, chr2:65,010,734, plus strand): 5'-AAAGAAACTAGGCTCCGAAGGAGAAGACCTCATCCGTTTCTTCAATTCCCTCAACGAGGC[G>A]ACGATGGTGCTGGTGTCCTGGATTATGTGGTGAGTGCTGCTTTGCTGCCTACTCTCTCTC-3'
Protein context (NP_003029.2, residues 247-267): LIRFFNSLNE[Ala257=]TMVLVSWIMW